The following is an entry in ClinVar:

NM_002439.5(MSH3):c.1614T>G (p.Asn538Lys)

Gene: MSH3 (mutS homolog 3; plus strand). Cytogenetic location: 5q14.1.
Variant type: single nucleotide variant.
Coding change: c.1614T>G on transcript NM_002439.5 (MANE Select); coding-DNA position 1614, T replaced by G.
Protein change: p.Asn538Lys; replaces asparagine 538 with lysine.
Molecular consequence: missense variant.
Genome position (GRCh38, 1-based): chr5:80,741,509, T>G. VCF-style: chr5-80741509-T-G. GRCh37 (hg19) VCF-style: chr5-80037328-T-G.
Other names: short protein forms N538K.
Identifiers: ClinVar variation 3642110 (VCV003642110.2).

ClinVar aggregate classification (germline): Uncertain significance (1 of 4 stars; one submission).

Submission:

Labcorp Genetics (formerly Invitae), Labcorp
Classification: Uncertain significance. Last evaluated: 2024-02-25. Review status: criteria provided, single submitter. Criteria: Invitae Variant Classification Sherloc (09022015). Collection method: clinical testing. Allele origin: germline.
Comment: This sequence change replaces asparagine, which is neutral and polar, with lysine, which is basic and polar, at codon 538 of the MSH3 protein (p.Asn538Lys). This variant is not present in population databases (gnomAD no frequency). This variant has not been reported in the literature in individuals affected with MSH3-related conditions. An algorithm developed to predict the effect of missense changes on protein structure and function (PolyPhen-2) suggests that this variant is likely to be disruptive. In summary, the available evidence is currently insufficient to determine the role of this variant in disease. Therefore, it has been classified as a Variant of Uncertain Significance.